The following is an entry in ClinVar:

NM_198525.3(KIF7):c.4028del (p.Leu1343fs)

Gene: KIF7 (kinesin family member 7; minus strand). Cytogenetic location: 15q26.1.
Variant type: Deletion.
Coding change: c.4028del on transcript NM_198525.3 (MANE Select); coding-DNA position 4028, one base deleted (T; older notation c.4028delT).
Protein change: p.Leu1343fs; shifts the reading frame from leucine 1343.
Molecular consequence: frameshift variant.
Genome position (GRCh38, 1-based): chr15:89,628,423, A deleted on the plus strand (T on the coding strand, the reverse complement: KIF7 is on the minus strand). VCF-style (leftmost placement, unchanged base first): chr15-89628422-CA-C. GRCh37 (hg19) VCF-style: chr15-90171653-CA-C.
Other names: short protein forms L1343fs.
Identifiers: ClinVar variation 4291751 (VCV004291751.2).

ClinVar aggregate classification (germline): Uncertain significance. Review status: criteria provided, multiple submitters, no conflicts (2 of 4 stars). 2 submissions from 2 submitters: Uncertain significance (2). Last evaluated 2024-11-25.

Conditions:
Acrocallosal syndrome (ACLS). Also called: HALLUX DUPLICATION, POSTAXIAL POLYDACTYLY, AND ABSENCE OF CORPUS CALLOSUM; Schinzel syndrome 1; Absence of corpus callosum with unusual facial appearance, mental deficiency, duplication of the halluces and polydactyly. Identifiers: Orphanet 36, MedGen C0796147, MONDO:0008708, OMIM 200990.

Submissions (2):

3billion
Classification: Uncertain significance for Acrocallosal syndrome. Last evaluated: 2024-11-25. Review status: criteria provided, single submitter. Criteria: ACMG Guidelines, 2015. Collection method: clinical testing. Allele origin: germline. Affected: yes.
Comment: The variant is observed at an extremely low frequency in the gnomAD v4.1.0 dataset (total allele frequency: <0.001%). Predicted Consequence/Location: Frameshift: predicted to result in a loss or disruption of normal protein function through protein truncation. The predicted truncated protein may be shortened by less than 10%. Therefore, this variant is classified as VUS according to the recommendation of ACMG/AMP guideline.

Blueprint Genetics
Classification: Uncertain significance. Last evaluated: 2021-03-16. Review status: criteria provided, single submitter. Criteria: ACMG Guidelines, 2015. Collection method: clinical testing. Allele origin: germline.